The following is an entry in ClinVar:

ClinVar aggregate classification (germline): Conflicting classifications of pathogenicity. Review status: criteria provided, conflicting classifications (1 of 4 stars). 9 submissions from 9 submitters: Uncertain significance (2); Likely benign (4). 3 of the submissions do not count toward it. Last evaluated 2026-07-01.

Conditions:
Mitochondrial complex IV deficiency, nuclear type 1 (MC4DN1). Also called: Mitochondrial complex IV deficiency; Complex 4 mitochondrial respiratory chain deficiency; Deficiency of mitochondrial respiratory chain complex4; Complex IV deficiency; COX DEFICIENCY. Identifiers: MedGen C5435656, MONDO:0700250, OMIM 220110. Disease mechanism: loss of function.
FASTKD2-related disorder. Also called: FASTKD2-related condition.

Allele frequency attached by ClinVar (database versions not stated): 1000 Genomes Project 30x 0.00062; 1000 Genomes Project 0.00080; TOPMed 0.00250; ExAC 0.00252; gnomAD 0.00281 and 0.00289; ESP Exome Variant Server 0.00338.
gnomAD v4.1: 6,406 of 1,609,052 alleles (0.4%); highest among the groups gnomAD compares: Non-Finnish European, 0.48%; 15 homozygotes.

Submissions (13):

CeGaT Center for Human Genetics Tuebingen
Classification: Likely benign. Last evaluated: 2026-07-01. Review status: criteria provided, single submitter. Criteria: CeGaT Center For Human Genetics Tuebingen Variant Classification Criteria Version 2. Collection method: clinical testing. Allele origin: germline. Affected: yes. Observed: 24 variant alleles.
Comment: FASTKD2: BP4, BS2

Labcorp Genetics (formerly Invitae), Labcorp
Classification: Likely benign. Last evaluated: 2026-01-19. Review status: criteria provided, single submitter. Criteria: Invitae Variant Classification Sherloc (09022015). Collection method: clinical testing. Allele origin: germline.

Blueprint Genetics
Classification: Likely benign. Last evaluated: 2024-11-13. Review status: criteria provided, single submitter. Criteria: ACMG Guidelines, 2015. Collection method: clinical testing. Allele origin: germline.

GeneDx
Classification: Likely benign. Last evaluated: 2019-12-10. Review status: criteria provided, single submitter. Criteria: GeneDx Variant Classification Process June 2021. Collection method: clinical testing. Allele origin: germline. Affected: yes.
Comment: This variant is associated with the following publications: (PMID: 25842392, 25842391, 25497598)

Illumina Laboratory Services, Illumina
Classification: Uncertain significance for Mitochondrial complex IV deficiency, nuclear type 1. Last evaluated: 2017-04-27. Review status: criteria provided, single submitter. Criteria: ICSL Variant Classification Criteria 13 December 2019. Collection method: clinical testing. Allele origin: germline.
Comment: This variant was observed as part of a predisposition screen in an ostensibly healthy population. A literature search was performed for the gene, cDNA change, and amino acid change (where applicable). Publications were found based on this search. However, the evidence from the literature, in combination with allele frequency data from public databases where available, was not sufficient to rule this variant in or out of causing disease. Therefore, this variant is classified as a variant of unknown significance.

Center for Pediatric Genomic Medicine, Children's Mercy Hospital and Clinics
Classification: Uncertain significance. Last evaluated: 2016-10-25. Review status: criteria provided, single submitter. Criteria: ACMG Guidelines, 2015. Collection method: clinical testing. Allele origin: germline.
ClinVar note: Converted during submission from Uncertain Significance to Uncertain significance.

PreventionGenetics, part of Exact Sciences
Classification: Likely benign for FASTKD2-related condition. Last evaluated: 2021-05-11. Review status: no assertion criteria provided. Collection method: clinical testing. Allele origin: germline. Not counted in ClinVar's aggregate classification.
Comment: This variant is classified as likely benign based on ACMG/AMP sequence variant interpretation guidelines (Richards et al. 2015 PMID: 25741868, with internal and published modifications).

Mayo Clinic Laboratories, Mayo Clinic
Classification: Uncertain significance. Last evaluated: 2016-02-25. Review status: no assertion criteria provided. Collection method: clinical testing. Allele origin: unknown. Not counted in ClinVar's aggregate classification.

Department of Pathology and Laboratory Medicine, Sinai Health System
Classification: Uncertain significance. Review status: no assertion criteria provided. Collection method: clinical testing. Allele origin: unknown. Affected: yes. Study: The Canadian Open Genetics Repository (COGR). Not counted in ClinVar's aggregate classification.
Comment: The FASTKD2 p.Lys50Arg variant was identified in 1 of 70 proband chromosomes (frequency: 0.0143) from individuals with ataxia (Pyle_2014_PMID: 25497598). The variant was identified in dbSNP (ID: rs141447598) and ClinVar (classified as likely benign by GeneDx and Invitae, and as uncertain significance by Center for Pediatric Genomic Medicine,Children's Mercy Hospital and Clinics, CeGaT Praxis fuer Humangenetik Tuebingen, and Mayo Clinic). The variant was identified in control databases in 761 of 279634 chromosomes (2 homozygous) at a frequency of 0.002721 increasing the likelihood this could be a low frequency benign variant (Genome Aggregation Database March 6, 2019, v2.1.1). The variant was observed in the following populations: European (Finnish) in 114 of 25062 chromosomes (freq: 0.004549), European (non-Finnish) in 535 of 128174 chromosomes (freq: 0.004174), Other in 23 of 7130 chromosomes (freq: 0.003226), Latino in 53 of 34698 chromosomes (freq: 0.001527), African in 17 of 24846 chromosomes (freq: 0.000684), South Asian in 15 of 29724 chromosomes (freq: 0.000505), Ashkenazi Jewish in 2 of 10180 chromosomes (freq: 0.000197), and East Asian in 2 of 19820 chromosomes (freq: 0.000101). The p.Lys50 residue is not conserved in mammals and computational analyses (PolyPhen-2, SIFT, AlignGVGD, BLOSUM, MutationTaster) do not suggest a high likelihood of impact to the protein; however, this information is not predictive enough to rule out pathogenicity. The variant occurs outside of the splicing consensus sequence and 2 of 4 in silico or computational prediction software programs (SpliceSiteFinder, MaxEntScan, NNSPLICE, GeneSplicer) predict a greater than 10% difference in splicing; this is not very predictive of pathogenicity. In summary, based on the above information the clinical significance of this variant cannot be determined with certainty at this time although we would lean towards a more benign role for this variant. This variant is classified as likely benign.

Dr. Peter K. Rogan Lab, Western University
No classification provided (evidence only). Condition: Colorectal cancer. Review status: no classification provided. Collection method: in vitro. Allele origin: not applicable. Functional consequence: retained intron. Not counted in ClinVar's aggregate classification.

Dr. Peter K. Rogan Lab, Western University
No classification provided (evidence only). Condition: Thyroid cancer, nonmedullary, 1. Review status: no classification provided. Collection method: in vitro. Allele origin: not applicable. Functional consequence: retained intron. Not counted in ClinVar's aggregate classification.

Dr. Peter K. Rogan Lab, Western University
No classification provided (evidence only). Condition: Uterine corpus endometrial carcinoma. Review status: no classification provided. Collection method: in vitro. Allele origin: not applicable. Functional consequence: retained intron. Not counted in ClinVar's aggregate classification.

Dr. Peter K. Rogan Lab, Western University
No classification provided (evidence only). Condition: Gastric cancer. Review status: no classification provided. Collection method: in vitro. Allele origin: not applicable. Functional consequence: retained intron. Not counted in ClinVar's aggregate classification.

Literature cited by the submitters: PubMed 25497598 (cited by Illumina Laboratory Services, Illumina); PubMed 25842391 (cited by Illumina Laboratory Services, Illumina).

NM_001136193.2(FASTKD2):c.149A>G (p.Lys50Arg)

Gene: FASTKD2 (FASTK mitochondrial RNA regulator 2; plus strand). Cytogenetic location: 2q33.3.
Variant type: single nucleotide variant.
Coding change: c.149A>G on transcript NM_001136193.2 (MANE Select); coding-DNA position 149, A replaced by G.
Protein change: p.Lys50Arg; replaces lysine 50 with arginine.
Molecular consequence: missense variant.
Genome position (GRCh38, 1-based): chr2:206,766,842, A>G. VCF-style: chr2-206766842-A-G. GRCh37 (hg19) VCF-style: chr2-207631566-A-G.
Other names: c.149A>G, p.Lys50Arg (NM_001136194.2, NM_014929.4); short protein forms K50R.
Identifiers: ClinVar variation 376842 (VCV000376842.63), dbSNP rs141447598, ClinGen allele CA2074833.